The following is an entry in ClinVar:

ClinVar aggregate classification (germline): Benign/Likely benign. Review status: criteria provided, multiple submitters, no conflicts (2 of 4 stars). 4 submissions from 4 submitters: Benign (3); Likely benign (1). Last evaluated 2026-01-28.

Conditions:
Idiopathic generalized epilepsy. Also called: EIG; Generalised epilepsy. Identifiers: MedGen C0270850, MONDO:0005579, OMIM 600669.

Allele frequency attached by ClinVar (database versions not stated): 1000 Genomes Project 30x 0.00094; 1000 Genomes Project 0.00120; gnomAD 0.00171 and 0.00187; TOPMed 0.00187; ESP Exome Variant Server 0.00239; ExAC 0.00283.
gnomAD v4.1: 3,337 of 1,614,012 alleles (0.21%); highest among the groups gnomAD compares: South Asian, 0.81%; 23 homozygotes.

Submissions (4):

Labcorp Genetics (formerly Invitae), Labcorp
Classification: Benign for Idiopathic generalized epilepsy. Last evaluated: 2026-01-28. Review status: criteria provided, single submitter. Criteria: Invitae Variant Classification Sherloc (09022015). Collection method: clinical testing. Allele origin: germline.

CeGaT Center for Human Genetics Tuebingen
Classification: Likely benign. Last evaluated: 2025-07-01. Review status: criteria provided, single submitter. Criteria: CeGaT Center For Human Genetics Tuebingen Variant Classification Criteria Version 2. Collection method: clinical testing. Allele origin: germline. Affected: yes. Observed: 3 variant alleles.
Comment: RBFOX1: BP4, BP7, BS1

Athena Diagnostics
Classification: Benign. Last evaluated: 2018-07-26. Review status: criteria provided, single submitter. Criteria: Athena Diagnostics Criteria. Collection method: clinical testing. Allele origin: germline.

Breakthrough Genomics
Classification: Benign. Review status: criteria provided, single submitter. Criteria: ACMG Guidelines, 2015. Collection method: not provided. Allele origin: germline. Inheritance: Unknown mechanism. Affected: yes.

NM_018723.4(RBFOX1):c.282C>T (p.Asp94=)

Genes: RBFOX1 (RNA binding fox-1 homolog 1; plus strand), LOC126862278 (CDK7 strongly-dependent group 2 enhancer GRCh37_chr16:7629446-7630645; plus strand). Cytogenetic location: 16p13.3.
Variant type: single nucleotide variant.
Coding change: c.282C>T on transcript NM_018723.4 (MANE Select); coding-DNA position 282, C replaced by T.
Protein change: p.Asp94=; no amino-acid change (aspartic acid 94 retained).
Molecular consequence: synonymous variant.
Genome position (GRCh38, 1-based): chr16:7,579,788, C>T. VCF-style: chr16-7579788-C-T. GRCh37 (hg19) VCF-style: chr16-7629790-C-T.
Other names: c.282C>T, p.Asp94= (NM_001142333.2, NM_001142334.2, NM_001364800.2); c.411C>T, p.Asp137= (NM_001308117.1); c.342C>T, p.Asp114= (NM_145891.3, NM_145892.3, NM_145893.3).
Identifiers: ClinVar variation 241957 (VCV000241957.38), dbSNP rs145861898, ClinGen allele CA7891426.